The following is an entry in ClinVar:

ClinVar aggregate classification (germline): Uncertain significance (1 of 4 stars; one submission).

gnomAD v4.1: 27 of 1,555,732 alleles (0.0017%); highest among the groups gnomAD compares: Middle Eastern, 0.017%; no homozygotes.

Submission:

Labcorp Genetics (formerly Invitae), Labcorp
Classification: Uncertain significance. Last evaluated: 2024-09-15. Review status: criteria provided, single submitter. Criteria: Invitae Variant Classification Sherloc (09022015). Collection method: clinical testing. Allele origin: germline.
Comment: This sequence change replaces arginine, which is basic and polar, with glutamine, which is neutral and polar, at codon 704 of the CLCN7 protein (p.Arg704Gln). The frequency data for this variant in the population databases is considered unreliable, as metrics indicate poor data quality at this position in the gnomAD database. This variant has not been reported in the literature in individuals affected with CLCN7-related conditions. ClinVar contains an entry for this variant (Variation ID: 2189034). An algorithm developed to predict the effect of missense changes on protein structure and function (PolyPhen-2) suggests that this variant is likely to be tolerated. In summary, the available evidence is currently insufficient to determine the role of this variant in disease. Therefore, it has been classified as a Variant of Uncertain Significance.

NM_001287.6(CLCN7):c.2111G>A (p.Arg704Gln)

Gene: CLCN7 (chloride voltage-gated channel 7; minus strand). Cytogenetic location: 16p13.3.
Variant type: single nucleotide variant.
Coding change: c.2111G>A on transcript NM_001287.6 (MANE Select); coding-DNA position 2111, G replaced by A.
Protein change: p.Arg704Gln; replaces arginine 704 with glutamine.
Molecular consequence: missense variant.
Genome position (GRCh38, 1-based): chr16:1,447,531, C>T on the plus strand (G>A on the coding strand, the complement: CLCN7 is on the minus strand). VCF-style: chr16-1447531-C-T. GRCh37 (hg19) VCF-style: chr16-1497532-C-T.
Other names: c.2039G>A, p.Arg680Gln (NM_001114331.3); short protein forms R704Q, R680Q.
Identifiers: ClinVar variation 2189034 (VCV002189034.4), dbSNP rs1051589129, ClinGen allele CA394185750.
Genomic context (GRCh38, chr16:1,447,531, plus strand): 5'-ATGGACTGGATGGGTGGGAAGCGCGGGTAGGCGTCTCGGAAGTCCTTCAGCCTCAGGCGC[C>T]GCTGTACCAGGCCCAGGTTGGACCGCTCCACAAACACCTGCGGGCGGCAGAGCCCTGTGT-3'
Protein context (NP_001278.1, residues 694-714): VERSNLGLVQ[Arg704Gln]RLRLKDFRDA